The following is an entry in ClinVar:

NM_005982.4(SIX1):c.446del (p.Pro149fs)

Gene: SIX1 (SIX homeobox 1; minus strand). Cytogenetic location: 14q23.1.
Variant type: Deletion.
Coding change: c.446del on transcript NM_005982.4 (MANE Select); coding-DNA position 446, one base deleted (C; older notation c.446delC).
Protein change: p.Pro149fs; shifts the reading frame from proline 149.
Molecular consequence: frameshift variant.
Genome position (GRCh38, 1-based): chr14:60,648,744, G deleted on the plus strand (C on the coding strand, the reverse complement: SIX1 is on the minus strand); the first of 3 consecutive G bases (chr14:60,648,744-60,648,746); deleting any one gives the same sequence. VCF-style (leftmost placement, unchanged base first): chr14-60648743-TG-T. GRCh37 (hg19) VCF-style: chr14-61115461-TG-T.
Other names: c.444delC, p.Pro149Hisfs (NM_001425142.1); short protein forms P149fs.
Identifiers: ClinVar variation 2949059 (VCV002949059.4), dbSNP rs2502643747, ClinGen allele CA2740097096.

ClinVar aggregate classification (germline): Conflicting classifications of pathogenicity. Review status: criteria provided, conflicting classifications (1 of 4 stars). 2 submissions from 2 submitters: Likely pathogenic (1); Uncertain significance (1). Last evaluated 2023-07-20.

Conditions:
Branchiootic syndrome 3 (BOS3). Also called: BO SYNDROME 3. Identifiers: MedGen C1842124, MONDO:0012025, OMIM 608389.
Autosomal dominant nonsyndromic hearing loss 23. Identifiers: Orphanet 90635, MedGen C1854594, MONDO:0011519, OMIM 605192.
SIX1-related disorder. Also called: SIX1-related condition.

Submissions (2):

Labcorp Genetics (formerly Invitae), Labcorp
Classification: Uncertain significance for Autosomal dominant nonsyndromic hearing loss 23; Branchiootic syndrome 3. Last evaluated: 2023-07-20. Review status: criteria provided, single submitter. Criteria: Invitae Variant Classification Sherloc (09022015). Collection method: clinical testing. Allele origin: germline.
Comment: This sequence change creates a premature translational stop signal (p.Pro149Hisfs*103) in the SIX1 gene. While this is not anticipated to result in nonsense mediated decay, it is expected to disrupt the last 136 amino acid(s) of the SIX1 protein. This variant is not present in population databases (gnomAD no frequency). In summary, the available evidence is currently insufficient to determine the role of this variant in disease. Therefore, it has been classified as a Variant of Uncertain Significance. Experimental studies and prediction algorithms are not available or were not evaluated, and the functional significance of this variant is currently unknown. This premature translational stop signal has been observed in individual(s) with clinical features of branchiootorenal spectrum disorders (Invitae; external communication). It has also been observed to segregate with disease in related individuals.

Blueprint Genetics
Classification: Likely pathogenic for SIX1-related disorders. Last evaluated: 2018-11-21. Review status: criteria provided, single submitter. Criteria: ACMG Guidelines, 2015. Collection method: clinical testing. Allele origin: germline. Affected: yes. Observed: 1 variant allele.